The following is an entry in ClinVar:

NM_020778.5(ALPK3):c.3875T>G (p.Leu1292Arg)

Gene: ALPK3 (alpha kinase 3; plus strand). Cytogenetic location: 15q25.3.
Variant type: single nucleotide variant.
Coding change: c.3875T>G on transcript NM_020778.5 (MANE Select); coding-DNA position 3875, T replaced by G.
Protein change: p.Leu1292Arg; replaces leucine 1292 with arginine.
Molecular consequence: missense variant.
Genome position (GRCh38, 1-based): chr15:84,859,300, T>G. VCF-style: chr15-84859300-T-G. GRCh37 (hg19) VCF-style: chr15-85402531-T-G.
Other names: short protein forms L1292R.
Identifiers: ClinVar variation 1311380 (VCV001311380.11), dbSNP rs1468829214, ClinGen allele CA393361374.

ClinVar aggregate classification (germline): Uncertain significance. Review status: criteria provided, multiple submitters, no conflicts (2 of 4 stars). 3 submissions from 3 submitters: Uncertain significance (3). Last evaluated 2025-08-14.

Conditions:
Cardiovascular phenotype. Identifiers: MedGen CN230736.

Allele frequency attached by ClinVar (database versions not stated): gnomAD exomes below 0.00001; TOPMed 0.00001; gnomAD 0.00002.
gnomAD v4.1: 10 of 1,614,030 alleles (0.00062%); highest among the groups gnomAD compares: Non-Finnish European, 0.00085%; no homozygotes.

Submissions (3):

Labcorp Genetics (formerly Invitae), Labcorp
Classification: Uncertain significance. Last evaluated: 2025-08-14. Review status: criteria provided, single submitter. Criteria: Invitae Variant Classification Sherloc (09022015). Collection method: clinical testing. Allele origin: germline.
Comment: This sequence change replaces leucine, which is neutral and non-polar, with arginine, which is basic and polar, at codon 1494 of the ALPK3 protein (p.Leu1494Arg). This variant is present in population databases (no rsID available, gnomAD 0.007%). This variant has not been reported in the literature in individuals affected with ALPK3-related conditions. ClinVar contains an entry for this variant (Variation ID: 1311380). Invitae Evidence Modeling of protein sequence and biophysical properties (such as structural, functional, and spatial information, amino acid conservation, physicochemical variation, residue mobility, and thermodynamic stability) indicates that this missense variant is expected to disrupt ALPK3 protein function with a positive predictive value of 80%. In summary, the available evidence is currently insufficient to determine the role of this variant in disease. Therefore, it has been classified as a Variant of Uncertain Significance.

Ambry Genetics
Classification: Uncertain significance for Cardiovascular phenotype. Last evaluated: 2024-11-05. Review status: criteria provided, single submitter. Criteria: Ambry Variant Classification Scheme 2023. Collection method: clinical testing. Allele origin: germline.
Comment: The p.L1494R variant (also known as c.4481T>G), located in coding exon 7 of the ALPK3 gene, results from a T to G substitution at nucleotide position 4481. The leucine at codon 1494 is replaced by arginine, an amino acid with dissimilar properties. This amino acid position is conserved. In addition, the in silico prediction for this alteration is inconclusive. Based on the available evidence, the clinical significance of this variant remains unclear.

GeneDx
Classification: Uncertain significance. Last evaluated: 2023-06-01. Review status: criteria provided, single submitter. Criteria: GeneDx Variant Classification Process June 2021. Collection method: clinical testing. Allele origin: germline. Affected: yes.
Comment: Has not been previously published as pathogenic or benign to our knowledge; Not observed at significant frequency in large population cohorts (gnomAD); In silico analysis supports that this missense variant has a deleterious effect on protein structure/function